The following is an entry in ClinVar:

ClinVar aggregate classification (germline): Uncertain significance (1 of 4 stars; one submission).

Conditions:
Hereditary cancer-predisposing syndrome. Also called: Neoplastic Syndromes, Hereditary; Tumor predisposition; Hereditary Cancer Syndrome; Hereditary neoplastic syndrome. Identifiers: Orphanet 140162, MedGen C0027672, MeSH D009386, MONDO:0015356.

Submission:

Ambry Genetics
Classification: Uncertain significance for Hereditary cancer-predisposing syndrome. Last evaluated: 2022-09-20. Review status: criteria provided, single submitter. Criteria: Ambry Variant Classification Scheme 2023. Collection method: clinical testing. Allele origin: germline.
Comment: The p.A26P variant (also known as c.76G>C), located in coding exon 1 of the SMARCA4 gene, results from a G to C substitution at nucleotide position 76. The alanine at codon 26 is replaced by proline, an amino acid with highly similar properties. This amino acid position is not well conserved in available vertebrate species. In addition, the in silico prediction for this alteration is inconclusive. Missense and in-frame variants in SMARCA4 are known to cause neurodevelopmental disorders; however, such associations with rhabdoid tumor predisposition syndrome including small cell carcinoma of the ovary-hypercalcemic type (SCCOHT) are exceedingly rare (Kosho T et al. Am J Med Genet C Semin Med Genet. 2014 Sep;166C(3):262-75; Jelinic P et al. Nat Genet. 2014 May;46(5):424-6). Based on the supporting evidence, the association of this alteration with Coffin-Siris syndrome is unknown; however, the association of this alteration with rhabdoid tumor predisposition syndrome is unlikely.

NM_003072.5(SMARCA4):c.76G>C (p.Ala26Pro)

Gene: SMARCA4 (SWI/SNF related BAF chromatin remodeling complex subunit ATPase 4; plus strand). Cytogenetic location: 19p13.2.
Variant type: single nucleotide variant.
Coding change: c.76G>C on transcript NM_003072.5 (MANE Select); coding-DNA position 76, G replaced by C.
Protein change: p.Ala26Pro; replaces alanine 26 with proline.
Molecular consequence: missense variant. On other transcripts: non-coding transcript variant (1).
Genome position (GRCh38, 1-based): chr19:10,984,227, G>C. VCF-style: chr19-10984227-G-C. GRCh37 (hg19) VCF-style: chr19-11094903-G-C.
Other names: c.76G>C, p.Ala26Pro (NM_001128844.3, NM_001128845.2, NM_001128846.2 and 6 more transcripts); short protein forms A26P.
Identifiers: ClinVar variation 1760217 (VCV001760217.2), dbSNP rs145867502, ClinGen allele CA404054080.